The following is an entry in ClinVar:

ClinVar aggregate classification (germline): Uncertain significance (1 of 4 stars; one submission).

Allele frequency attached by ClinVar (database versions not stated): gnomAD exomes 0.00001; ExAC 0.00002.
gnomAD v4.1: 3 of 1,613,952 alleles (0.00019%); highest among the groups gnomAD compares: Non-Finnish European, 0.00025%; no homozygotes.

Submission:

Ambry Genetics
Classification: Uncertain significance. Last evaluated: 2024-05-17. Review status: criteria provided, single submitter. Criteria: Ambry Variant Classification Scheme 2023. Collection method: clinical testing. Allele origin: germline.
Comment: The p.E467K variant (also known as c.1399G>A), located in coding exon 1 of the MLH3 gene, results from a G to A substitution at nucleotide position 1399. The glutamic acid at codon 467 is replaced by lysine, an amino acid with similar properties. This amino acid position is conserved. In addition, this alteration is predicted to be tolerated by in silico analysis. Since supporting evidence is limited at this time, the clinical significance of this alteration remains unclear.

NM_001040108.2(MLH3):c.1399G>A (p.Glu467Lys)

Gene: MLH3 (mutL homolog 3; minus strand). Cytogenetic location: 14q24.3.
Variant type: single nucleotide variant.
Coding change: c.1399G>A on transcript NM_001040108.2 (MANE Select); coding-DNA position 1399, G replaced by A.
Protein change: p.Glu467Lys; replaces glutamic acid 467 with lysine.
Molecular consequence: missense variant.
Genome position (GRCh38, 1-based): chr14:75,048,257, C>T on the plus strand (G>A on the coding strand, the complement: MLH3 is on the minus strand). VCF-style: chr14-75048257-C-T. GRCh37 (hg19) VCF-style: chr14-75514960-C-T.
Other names: c.1399G>A, p.Glu467Lys (NM_014381.3); short protein forms E467K.
Identifiers: ClinVar variation 1771702 (VCV001771702.3), dbSNP rs748000153, ClinGen allele CA7275880.